The following is an entry in ClinVar:

ClinVar aggregate classification (germline): Likely benign. Review status: criteria provided, multiple submitters, no conflicts (2 of 4 stars). 7 submissions from 7 submitters: Likely benign (7). Last evaluated 2026-05-22.

Conditions:
MYL3-related disorder. Also called: MYL3-related condition.
Hypertrophic cardiomyopathy. Also called: HYPERTROPHIC MYOCARDIOPATHY. Identifiers: Orphanet 217569, MedGen C0007194, MeSH D002312, MONDO:0005045, HP:0001639.
Cardiovascular phenotype. Identifiers: MedGen CN230736.
Cardiomyopathy (CMYO). Also called: Cardiomyopathies. Identifiers: Orphanet 167848, MedGen C0878544, MONDO:0004994, HP:0001638. Inheritance: Various modes of inheritance.

Allele frequency attached by ClinVar (database versions not stated): TOPMed below 0.00001; gnomAD exomes 0.00001.
gnomAD v4.1: 10 of 1,614,076 alleles (0.00062%); highest among the groups gnomAD compares: Non-Finnish European, 0.00085%; no homozygotes.

Submissions (7):

PreventionGenetics, part of Exact Sciences
Classification: Likely benign for MYL3-related condition. Last evaluated: 2026-05-22. Review status: criteria provided, single submitter. Criteria: ACMG Guidelines, 2015. Collection method: clinical testing. Allele origin: germline.
Comment: This variant is classified as likely benign based on ACMG/AMP sequence variant interpretation guidelines (Richards et al. 2015 PMID: 25741868, with internal and published modifications).

Labcorp Genetics (formerly Invitae), Labcorp
Classification: Likely benign for Hypertrophic cardiomyopathy. Last evaluated: 2025-12-29. Review status: criteria provided, single submitter. Criteria: Invitae Variant Classification Sherloc (09022015). Collection method: clinical testing. Allele origin: germline.

Molecular Diagnostic Laboratory for Inherited Cardiovascular Disease, Montreal Heart Institute
Classification: Likely benign. Last evaluated: 2025-04-09. Review status: criteria provided, single submitter. Criteria: ACMG Guidelines, 2015. Collection method: clinical testing. Allele origin: germline. Affected: no.

All of Us Research Program, National Institutes of Health
Classification: Likely benign for Hypertrophic cardiomyopathy. Last evaluated: 2023-12-01. Review status: criteria provided, single submitter. Criteria: ACMG Guidelines, 2015. Collection method: clinical testing. Allele origin: germline. Inheritance: Autosomal dominant inheritance. Observed: 6 variant alleles, 6 heterozygotes.
Comment: This study involves interpretation of variants in research participants for the purpose of population health screening. Participant phenotype was not available at the time of variant classification. Additional details can be found in publication PMID: 35346344, PMCID: PMC8962531

Ambry Genetics
Classification: Likely benign for Cardiovascular phenotype. Last evaluated: 2019-11-13. Review status: criteria provided, single submitter. Criteria: Ambry Variant Classification Scheme 2023. Collection method: clinical testing. Allele origin: germline.

Color Diagnostics, LLC DBA Color Health
Classification: Likely benign for Cardiomyopathy. Last evaluated: 2018-12-21. Review status: criteria provided, single submitter. Criteria: ACMG Guidelines, 2015. Collection method: clinical testing. Allele origin: germline.

GeneDx
Classification: Likely benign. Last evaluated: 2017-04-18. Review status: criteria provided, single submitter. Criteria: GeneDx Variant Classification (06012015). Collection method: clinical testing. Allele origin: germline. Affected: yes.
Comment: This variant is considered likely benign or benign based on one or more of the following criteria: it is a conservative change, it occurs at a poorly conserved position in the protein, it is predicted to be benign by multiple in silico algorithms, and/or has population frequency not consistent with disease.

NM_000258.3(MYL3):c.549C>T (p.Ile183=)

Gene: MYL3 (myosin light chain 3; minus strand). Cytogenetic location: 3p21.31.
Variant type: single nucleotide variant.
Coding change: c.549C>T on transcript NM_000258.3 (MANE Select); coding-DNA position 549, C replaced by T.
Protein change: p.Ile183=; no amino-acid change (isoleucine 183 retained).
Molecular consequence: synonymous variant.
Genome position (GRCh38, 1-based): chr3:46,858,394, G>A on the plus strand (C>T on the coding strand, the complement: MYL3 is on the minus strand). VCF-style: chr3-46858394-G-A. GRCh37 (hg19) VCF-style: chr3-46899884-G-A.
Identifiers: ClinVar variation 508984 (VCV000508984.18), dbSNP rs963631094, ClinGen allele CA73777368.